The following is an entry in ClinVar:

NM_000428.3(LTBP2):c.691A>G (p.Asn231Asp)

Gene: LTBP2 (latent transforming growth factor beta binding protein 2; minus strand). Cytogenetic location: 14q24.3.
Variant type: single nucleotide variant.
Coding change: c.691A>G on transcript NM_000428.3 (MANE Select); coding-DNA position 691, A replaced by G.
Protein change: p.Asn231Asp; replaces asparagine 231 with aspartic acid.
Molecular consequence: missense variant.
Genome position (GRCh38, 1-based): chr14:74,585,993, T>C on the plus strand (A>G on the coding strand, the complement: LTBP2 is on the minus strand). VCF-style: chr14-74585993-T-C. GRCh37 (hg19) VCF-style: chr14-75052696-T-C.
Other names: short protein forms N231D.
Identifiers: ClinVar variation 1936885 (VCV001936885.5), dbSNP rs1484979526, ClinGen allele CA390383680.

ClinVar aggregate classification (germline): Uncertain significance (1 of 4 stars; one submission).

Allele frequency attached by ClinVar (database versions not stated): gnomAD exomes below 0.00001.
gnomAD v4.1: 6 of 1,611,884 alleles (0.00037%); highest among the groups gnomAD compares: Non-Finnish European, 0.00051%; no homozygotes.

Submission:

Labcorp Genetics (formerly Invitae), Labcorp
Classification: Uncertain significance. Last evaluated: 2022-02-22. Review status: criteria provided, single submitter. Criteria: Invitae Variant Classification Sherloc (09022015). Collection method: clinical testing. Allele origin: germline.
Comment: This variant has not been reported in the literature in individuals affected with LTBP2-related conditions. This variant is present in population databases (no rsID available, gnomAD 0.0009%). This sequence change replaces asparagine, which is neutral and polar, with aspartic acid, which is acidic and polar, at codon 231 of the LTBP2 protein (p.Asn231Asp). Algorithms developed to predict the effect of missense changes on protein structure and function are either unavailable or do not agree on the potential impact of this missense change (SIFT: "Deleterious"; PolyPhen-2: "Possibly Damaging"; Align-GVGD: "Class C15"). In summary, the available evidence is currently insufficient to determine the role of this variant in disease. Therefore, it has been classified as a Variant of Uncertain Significance.